The following is an entry in ClinVar:

ClinVar aggregate classification (germline): Conflicting classifications of pathogenicity. Review status: criteria provided, conflicting classifications (1 of 4 stars). 15 submissions from 15 submitters: Uncertain significance (2); Benign (6); Likely benign (3). 4 of the submissions do not count toward it. Last evaluated 2026-02-03.

Conditions:
Cardiovascular phenotype. Identifiers: MedGen CN230736.
Cardiomyopathy (CMYO). Also called: Cardiomyopathies. Identifiers: Orphanet 167848, MedGen C0878544, MONDO:0004994, HP:0001638. Inheritance: Various modes of inheritance.
Dilated cardiomyopathy 1W (CMD1W). Identifiers: Orphanet 154, MedGen C1969639, MONDO:0012667, OMIM 611407.

Allele frequency attached by ClinVar (database versions not stated): TOPMed 0.00050; gnomAD 0.00051 and 0.00062; ExAC 0.00099; gnomAD exomes 0.00115; 1000 Genomes Project 30x 0.00344; 1000 Genomes Project 0.00399.
gnomAD v4.1: 550 of 1,614,200 alleles (0.034%); highest among the groups gnomAD compares: East Asian, 0.95%; 1 homozygote.

Submissions (15):

Labcorp Genetics (formerly Invitae), Labcorp
Classification: Benign for Dilated cardiomyopathy 1W. Last evaluated: 2026-02-03. Review status: criteria provided, single submitter. Criteria: Invitae Variant Classification Sherloc (09022015). Collection method: clinical testing. Allele origin: germline.

Molecular Diagnostic Laboratory for Inherited Cardiovascular Disease, Montreal Heart Institute
Classification: Likely benign. Last evaluated: 2025-04-09. Review status: criteria provided, single submitter. Criteria: ACMG Guidelines, 2015. Collection method: clinical testing. Allele origin: germline. Affected: no.
Comment: BS1;BP6

Blueprint Genetics
Classification: Likely benign. Last evaluated: 2024-10-21. Review status: criteria provided, single submitter. Criteria: ACMG Guidelines, 2015. Collection method: clinical testing. Allele origin: germline.

CHEO Genetics Diagnostic Laboratory, Children's Hospital of Eastern Ontario
Classification: Benign for Cardiomyopathy. Last evaluated: 2019-09-13. Review status: criteria provided, single submitter. Criteria: ACMG Guidelines, 2015. Collection method: clinical testing. Allele origin: germline.

GeneDx
Classification: Benign. Last evaluated: 2019-01-25. Review status: criteria provided, single submitter. Criteria: GeneDx Variant Classification Process June 2021. Collection method: clinical testing. Allele origin: germline. Affected: yes.
Comment: This variant is associated with the following publications: (PMID: 28373245, 23861362)

Illumina Laboratory Services, Illumina
Classification: Likely benign for Dilated cardiomyopathy 1W. Last evaluated: 2018-01-12. Review status: criteria provided, single submitter. Criteria: ICSL Variant Classification Criteria 13 December 2019. Collection method: clinical testing. Allele origin: germline.
Comment: This variant was observed in the ICSL laboratory as part of a predisposition screen in an ostensibly healthy population. It had not been previously curated by ICSL or reported in the Human Gene Mutation Database (HGMD: prior to June 1st, 2018), and was therefore a candidate for classification through an automated scoring system. Utilizing variant allele frequency, disease prevalence and penetrance estimates, and inheritance mode, an automated score was calculated to assess if this variant is too frequent to cause the disease. Based on the score and internal cut-off values, a variant classified as likely benign is not then subjected to further curation. The score for this variant resulted in a classification of likely benign for this disease.

Ambry Genetics
Classification: Benign for Cardiovascular phenotype. Last evaluated: 2016-09-10. Review status: criteria provided, single submitter. Criteria: Ambry Variant Classification Scheme 2023. Collection method: clinical testing. Allele origin: germline.

Women's Health and Genetics/Laboratory Corporation of America, LabCorp
Classification: Benign. Last evaluated: 2016-08-02. Review status: criteria provided, single submitter. Criteria: LabCorp Variant Classification Summary - May 2015. Collection method: clinical testing. Allele origin: germline.
Comment: Variant summary: The VCL c.2521G>C (p.Asp841His) variant involves the alteration of a conserved nucleotide. 4/4 in silico tools predict a damaging outcome for this variant (SNPs&GO not captured due to low reliability index). This variant is not located in any known domain (InterPro, UniProt). This variant was found in 120/121210 control chromosomes, predominantly observed in the East Asian subpopulation at a frequency of 0.0132159 (114/8626). No homozygotes have been detected in general population. This frequency is about 529 times the estimated maximal expected allele frequency of a pathogenic VCL variant (0.000025), strong evidence that this is likely a benign polymorphism found primarily in the populations of East Asian origin. One of three clinical diagnostic laboratories has classified this variant as benign based on ExAC population frequency, while two other labs classify the variant as a VUS, likely due to the large ExAC database not being utalized at the time of evaluation. The variant of interest has not, to our knowledge, been reported in affected individuals via publications and there are no published functional studies for the variant. Taken together, this variant is classified as Benign.

Laboratory for Molecular Medicine, Mass General Brigham Personalized Medicine
Classification: Benign. Last evaluated: 2015-10-01. Review status: criteria provided, single submitter. Criteria: LMM Criteria. Collection method: clinical testing. Allele origin: germline. Observed: 1 variant allele.
Comment: p.Asp841His in exon 17 of VCL: This variant is not expected to have clinical sig nificance because it has been identified in 1.3% (114/8626) of East Asian chromo somes by the Exome Aggregation Consortium (ExAC; dbSNP rs150385900).

Stanford Center for Inherited Cardiovascular Disease, Stanford University
Classification: Uncertain significance. Last evaluated: 2013-09-20. Review status: criteria provided, single submitter. Criteria: ACMG Guidelines, 2015. Collection method: provider interpretation. Allele origin: germline.

Biesecker Lab/Clinical Genomics Section, National Institutes of Health
Classification: Uncertain significance. Last evaluated: 2013-06-24. Review status: criteria provided, single submitter. Criteria: Ng et al. (Circ Cardiovasc Genet. 2013). Collection method: research. Allele origin: unknown. Observed: 1 variant allele. Study: ClinSeq.
Comment: The study set was not selected for affection status in relation to any cancer. Pathogenicity categories were based on literature curation. See Pubmed ID:23861362 for details.

Medical sequencing

Clinical Genetics DNA and cytogenetics Diagnostics Lab, Erasmus MC, Erasmus Medical Center
Classification: Benign. Review status: no assertion criteria provided. Collection method: clinical testing. Allele origin: germline. Affected: yes. Study: VKGL Data-share Consensus. Not counted in ClinVar's aggregate classification.

Clinical Genetics, Academic Medical Center
Classification: Benign. Review status: no assertion criteria provided. Collection method: clinical testing. Allele origin: germline. Affected: yes. Study: VKGL Data-share Consensus. Not counted in ClinVar's aggregate classification.

Genome Diagnostics Laboratory, University Medical Center Utrecht
Classification: Likely benign. Review status: no assertion criteria provided. Collection method: clinical testing. Allele origin: germline. Affected: yes. Study: VKGL Data-share Consensus. Not counted in ClinVar's aggregate classification.

Joint Genome Diagnostic Labs from Nijmegen and Maastricht, Radboudumc and MUMC+
Classification: Benign. Review status: no assertion criteria provided. Collection method: clinical testing. Allele origin: germline. Affected: yes. Study: VKGL Data-share Consensus. Not counted in ClinVar's aggregate classification.

Literature cited by the submitters: PubMed 23861362 (cited by Women's Health and Genetics/Laboratory Corporation of America, LabCorp).

NM_014000.3(VCL):c.2521G>C (p.Asp841His)

Gene: VCL (vinculin; plus strand). Cytogenetic location: 10q22.2.
Variant type: single nucleotide variant.
Coding change: c.2521G>C on transcript NM_014000.3 (MANE Select); coding-DNA position 2521, G replaced by C.
Protein change: p.Asp841His; replaces aspartic acid 841 with histidine.
Molecular consequence: missense variant.
Genome position (GRCh38, 1-based): chr10:74,107,316, G>C. VCF-style: chr10-74107316-G-C. GRCh37 (hg19) VCF-style: chr10-75867074-G-C.
Other names: p.D841H:GAC>CAC; c.2521G>C, p.Asp841His (NM_003373.4); short protein forms D841H.
Identifiers: ClinVar variation 192106 (VCV000192106.34), dbSNP rs150385900, ClinGen allele CA238367.
Genomic context (GRCh38, chr10:74,107,316, plus strand): 5'-GGATATCGGATCCTGGGAGCTGTGGCCAAGGTCAGAGAAGCCTTCCAACCTCAGGAGCCT[G>C]ACTTCCCGCCGCCTCCACCAGACCTTGAACAACTCCGAGTAAGTAAATTCAGATATGCAG-3'
Protein context (NP_054706.1, residues 831-851): VREAFQPQEP[Asp841His]FPPPPPDLEQ